The following is an entry in ClinVar:

ClinVar aggregate classification (germline): Uncertain significance (1 of 4 stars; one submission).

Conditions:
Cardiovascular phenotype. Identifiers: MedGen CN230736.

gnomAD v4.1: 2 of 1,613,094 alleles (0.00012%); highest among the groups gnomAD compares: East Asian, 0.0022%; no homozygotes.

Submission:

Ambry Genetics
Classification: Uncertain significance for Cardiovascular phenotype. Last evaluated: 2025-02-10. Review status: criteria provided, single submitter. Criteria: Ambry Variant Classification Scheme 2023. Collection method: clinical testing. Allele origin: germline.
Comment: The p.P1633L variant (also known as c.4898C>T), located in coding exon 12 of the TNXB gene, results from a C to T substitution at nucleotide position 4898. The proline at codon 1633 is replaced by leucine, an amino acid with similar properties. This amino acid position is conserved. In addition, this alteration is predicted to be tolerated by in silico analysis. Based on the available evidence, the clinical significance of this variant remains unclear.

NM_001365276.2(TNXB):c.4898C>T (p.Pro1633Leu)

Gene: TNXB (tenascin XB; minus strand). Cytogenetic location: 6p21.33.
Variant type: single nucleotide variant.
Coding change: c.4898C>T on transcript NM_001365276.2 (MANE Select); coding-DNA position 4898, C replaced by T.
Protein change: p.Pro1633Leu; replaces proline 1633 with leucine.
Molecular consequence: missense variant.
Genome position (GRCh38, 1-based): chr6:32,072,082, G>A on the plus strand (C>T on the coding strand, the complement: TNXB is on the minus strand). VCF-style: chr6-32072082-G-A. GRCh37 (hg19) VCF-style: chr6-32039859-G-A.
Other names: c.5639C>T, p.Pro1880Leu (NM_001428335.1); c.4898C>T, p.Pro1633Leu (NM_019105.8); short protein forms P1633L, P1880L.
Identifiers: ClinVar variation 3809289 (VCV003809289.1).